The following is an entry in ClinVar:

NM_152594.3(SPRED1):c.1044_1045delinsCT (p.Arg349Trp)

Gene: SPRED1 (sprouty related EVH1 domain containing 1; plus strand). Cytogenetic location: 15q14.
Variant type: Indel.
Coding change: c.1044_1045delinsCT on transcript NM_152594.3 (MANE Select); coding-DNA positions 1044 to 1045, TA replaced by CT.
Protein change: p.Arg349Trp; replaces arginine 349 with tryptophan.
Molecular consequence: missense variant.
Genome position (GRCh38, 1-based): chr15:38,351,373-38,351,374, TA replaced by CT. VCF-style: chr15-38351373-TA-CT. GRCh37 (hg19) VCF-style: chr15-38643574-TA-CT.
Other names: c.1044_1045delTAinsCT (NM_152594.2); short protein forms R349W.
Identifiers: ClinVar variation 2705386 (VCV002705386.4), dbSNP rs2542743687, ClinGen allele CA2697554336.

ClinVar aggregate classification (germline): Uncertain significance. Review status: criteria provided, multiple submitters, no conflicts (2 of 4 stars). 2 submissions from 2 submitters: Uncertain significance (2). Last evaluated 2024-03-28.

Conditions:
Legius syndrome. Identifiers: Orphanet 137605, MedGen C1969623, MONDO:0012669, OMIM 611431. Disease mechanism: loss of function.
Cardiovascular phenotype. Identifiers: MedGen CN230736.

Submissions (2):

Ambry Genetics
Classification: Uncertain significance for Cardiovascular phenotype. Last evaluated: 2024-03-28. Review status: criteria provided, single submitter. Criteria: Ambry Variant Classification Scheme 2023. Collection method: clinical testing. Allele origin: germline.
Comment: The c.1044_1045delTAinsCT variant (also known as p.R349W), located in coding exon 7 of the SPRED1 gene, results from an in-frame deletion of TA and insertion of CT at nucleotide positions 1044 to 1045. This results in the substitution of the arginine residue for a tryptophan residue at codon 349, an amino acid with dissimilar properties. In addition, this alteration is predicted to be deleterious by in silico analysis (Choi Y et al. PLoS ONE. 2012; 7(10):e46688). This amino acid position is highly conserved in available vertebrate species. Based on the available evidence, the clinical significance of this alteration remains unclear.

Labcorp Genetics (formerly Invitae), Labcorp
Classification: Uncertain significance for Legius syndrome. Last evaluated: 2023-05-19. Review status: criteria provided, single submitter. Criteria: Invitae Variant Classification Sherloc (09022015). Collection method: clinical testing. Allele origin: germline.
Comment: In summary, the available evidence is currently insufficient to determine the role of this variant in disease. Therefore, it has been classified as a Variant of Uncertain Significance. Experimental studies and prediction algorithms are not available or were not evaluated, and the functional significance of this variant is currently unknown. This variant has not been reported in the literature in individuals affected with SPRED1-related conditions. Information on the frequency of this variant in the gnomAD database is not available, as this variant may be reported differently in the database. This sequence change replaces arginine, which is basic and polar, with tryptophan, which is neutral and slightly polar, at codon 349 of the SPRED1 protein (p.Arg349Trp).